The following is an entry in ClinVar:

ClinVar aggregate classification (germline): Uncertain significance (1 of 4 stars; one submission).

Conditions:
LOXHD1-related disorder. Also called: LOXHD1-related condition.

Submission:

PreventionGenetics, part of Exact Sciences
Classification: Uncertain significance for LOXHD1-related condition. Last evaluated: 2026-02-04. Review status: criteria provided, single submitter. Criteria: ACMG Guidelines, 2015. Collection method: clinical testing. Allele origin: germline.
Comment: The LOXHD1 c.3061+2dupT variant is predicted to result in an intronic duplication. This variant is predicted to impact splicing based on available splicing prediction programs, but is not predicted to disrupt the canonical splice donor site (SpliceAI, Jaganathan et al. 2019. PubMed ID: 30661751). To our knowledge, this variant has not been reported in the literature or in a large population database (gnomAD), indicating this variant is rare. Although we suspect that this variant may be pathogenic, at this time, the clinical significance of this variant is uncertain due to the absence of conclusive functional and genetic evidence.

NM_001384474.1(LOXHD1):c.3061+2dup

Gene: LOXHD1 (lipoxygenase homology PLAT domains 1; minus strand). Cytogenetic location: 18q21.1.
Variant type: Duplication.
Coding change: c.3061+2dup on transcript NM_001384474.1 (MANE Select); the canonical splice donor site of the intron after coding-DNA position 3061, one base duplicated (T; older notation c.3061+2dupT).
Molecular consequence: splice donor variant.
Genome position (GRCh38, 1-based): chr18:46,560,081, A duplicated on the plus strand (T on the coding strand, the reverse complement: LOXHD1 is on the minus strand). VCF-style (leftmost placement, unchanged base first): chr18-46560080-T-TA. GRCh37 (hg19) VCF-style: chr18-44140043-T-TA.
Other names: c.3061+2dup (NM_144612.7).
Identifiers: ClinVar variation 4994969 (VCV004994969.1).
Genomic context (GRCh38, chr18:46,560,080, plus strand): 5'-GCCCCCTTTAGGGGAACTGTCTGGCCACTCCCTCCCCACCCCCACCCCCCACGACCCACT[T>TA]ACGCTCAGGACCCGGCTTGCCAGCTGGCACCAACTCCACGACAAGTTCGTTGTCCTCCTT-3'